The following is an entry in ClinVar:

ClinVar aggregate classification (germline): Likely benign (0 of 4 stars; one submission).

Conditions:
PLXNA4-related disorder. Also called: PLXNA4-related condition.

gnomAD v4.1: 9 of 1,613,720 alleles (0.00056%); highest among the groups gnomAD compares: Non-Finnish European, 0.00068%; no homozygotes.

Submission:

PreventionGenetics, part of Exact Sciences
Classification: Likely benign for PLXNA4-related condition. Last evaluated: 2023-10-19. Review status: no assertion criteria provided. Collection method: clinical testing. Allele origin: germline.
Comment: This variant is classified as likely benign based on ACMG/AMP sequence variant interpretation guidelines (Richards et al. 2015 PMID: 25741868, with internal and published modifications).

NM_020911.2(PLXNA4):c.4501-7C>T

Gene: PLXNA4 (plexin A4; minus strand). Cytogenetic location: 7q32.3.
Variant type: single nucleotide variant.
Coding change: c.4501-7C>T on transcript NM_020911.2 (MANE Select); 7 bases into the intron before coding-DNA position 4501, C replaced by T.
Molecular consequence: intron variant.
Genome position (GRCh38, 1-based): chr7:132,159,639, G>A on the plus strand (C>T on the coding strand, the complement: PLXNA4 is on the minus strand). VCF-style: chr7-132159639-G-A. GRCh37 (hg19) VCF-style: chr7-131844398-G-A.
Other names: c.4501-7C>T (NM_001393897.1).
Identifiers: ClinVar variation 3351201 (VCV003351201.1).